The following is an entry in ClinVar:

NM_014946.4(SPAST):c.1098+19C>A

Gene: SPAST (spastin; plus strand). Cytogenetic location: 2p22.3.
Variant type: single nucleotide variant.
Coding change: c.1098+19C>A on transcript NM_014946.4 (MANE Select); 19 bases into the intron after coding-DNA position 1098, C replaced by A.
Molecular consequence: intron variant.
Genome position (GRCh38, 1-based): chr2:32,116,231, C>A. VCF-style: chr2-32116231-C-A. GRCh37 (hg19) VCF-style: chr2-32341300-C-A.
Other names: c.1002+19C>A (NM_199436.2, NM_001377959.1); c.1095+19C>A (NM_001363823.2); c.999+19C>A (NM_001363875.2).
Identifiers: ClinVar variation 3773803 (VCV003773803.1).

ClinVar aggregate classification (germline): Likely benign (1 of 4 stars; one submission).

Conditions:
Hereditary spastic paraplegia. Also called: Familial spastic paraparesis. Identifiers: Orphanet 685, MedGen C0037773, MONDO:0019064. Disease mechanism: loss of function.

Submission:

Molecular Genetics, Royal Melbourne Hospital
Classification: Likely benign for Hereditary spastic paraplegia. Last evaluated: 2024-11-04. Review status: criteria provided, single submitter. Criteria: ACMG Guidelines, 2015. Collection method: clinical testing. Allele origin: germline. Inheritance: Autosomal dominant inheritance. Affected: yes.
Comment: Based on the classification scheme RMH Modified ACMG/AMP Guidelines v1.7.0, this variant is classified as Likely benign. Following criteria are met: BP4, BP7, PM2_Supporting